The following is an entry in ClinVar:

ClinVar aggregate classification (germline): Conflicting classifications of pathogenicity. Review status: criteria provided, conflicting classifications (1 of 4 stars). 2 submissions from 2 submitters: Uncertain significance (1); Likely benign (1). Last evaluated 2025-09-04.

Conditions:
Inborn genetic diseases. Identifiers: MedGen C0950123, MeSH D030342.

Allele frequency attached by ClinVar (database versions not stated): TOPMed 0.00002; gnomAD 0.00004; ExAC 0.00007; gnomAD exomes 0.00007; ESP Exome Variant Server 0.00008.

Submissions (2):

Ambry Genetics
Classification: Likely benign for Inborn genetic diseases. Last evaluated: 2025-09-04. Review status: criteria provided, single submitter. Criteria: Ambry Variant Classification Scheme 2023. Collection method: clinical testing. Allele origin: germline.

Labcorp Genetics (formerly Invitae), Labcorp
Classification: Uncertain significance. Last evaluated: 2024-09-06. Review status: criteria provided, single submitter. Criteria: Invitae Variant Classification Sherloc (09022015). Collection method: clinical testing. Allele origin: germline.
Comment: This sequence change replaces arginine, which is basic and polar, with histidine, which is basic and polar, at codon 140 of the TMEM106B protein (p.Arg140His). This variant is present in population databases (rs147247575, gnomAD 0.04%), and has an allele count higher than expected for a pathogenic variant. This variant has not been reported in the literature in individuals affected with TMEM106B-related conditions. Invitae Evidence Modeling of protein sequence and biophysical properties (such as structural, functional, and spatial information, amino acid conservation, physicochemical variation, residue mobility, and thermodynamic stability) indicates that this missense variant is not expected to disrupt TMEM106B protein function with a negative predictive value of 80%. In summary, the available evidence is currently insufficient to determine the role of this variant in disease. Therefore, it has been classified as a Variant of Uncertain Significance.

NM_001134232.2(TMEM106B):c.419G>A (p.Arg140His)

Gene: TMEM106B (transmembrane protein 106B; plus strand). Cytogenetic location: 7p21.3.
Variant type: single nucleotide variant.
Coding change: c.419G>A on transcript NM_001134232.2 (MANE Select); coding-DNA position 419, G replaced by A.
Protein change: p.Arg140His; replaces arginine 140 with histidine.
Molecular consequence: missense variant.
Genome position (GRCh38, 1-based): chr7:12,224,363, G>A. VCF-style: chr7-12224363-G-A. GRCh37 (hg19) VCF-style: chr7-12263989-G-A.
Other names: c.419G>A (NM_018374.3); c.419G>A, p.Arg140His (NM_018374.4); short protein forms R140H.
Identifiers: ClinVar variation 2902939 (VCV002902939.4), dbSNP rs147247575, ClinGen allele CA4165087.